The following is an entry in ClinVar:

ClinVar aggregate classification (germline): Uncertain significance. Review status: criteria provided, multiple submitters, no conflicts (2 of 4 stars). 2 submissions from 2 submitters: Uncertain significance (2). Last evaluated 2024-03-18.

Conditions:
Charcot-Marie-Tooth disease type 4. Also called: Charcot-Marie-Tooth, Type 4; Charcot-Marie-Tooth disease, type IV. Identifiers: Orphanet 64749, MedGen C4082197, MONDO:0018995.

Allele frequency attached by ClinVar (database versions not stated): gnomAD exomes below 0.00001; TOPMed below 0.00001.
gnomAD v4.1: 1 of 1,613,906 alleles (0.000062%); highest among the groups gnomAD compares: Admixed American, 0.0017%; no homozygotes.

Submissions (2):

Mayo Clinic Laboratories, Mayo Clinic
Classification: Uncertain significance. Last evaluated: 2024-03-18. Review status: criteria provided, single submitter. Criteria: ACMG Guidelines, 2015. Collection method: clinical testing. Allele origin: germline. Observed: 1 variant allele.
Comment: BP4

Labcorp Genetics (formerly Invitae), Labcorp
Classification: Uncertain significance for Charcot-Marie-Tooth disease type 4. Last evaluated: 2022-07-13. Review status: criteria provided, single submitter. Criteria: Invitae Variant Classification Sherloc (09022015). Collection method: clinical testing. Allele origin: germline.
Comment: This sequence change replaces valine, which is neutral and non-polar, with glycine, which is neutral and non-polar, at codon 891 of the PRX protein (p.Val891Gly). This variant is not present in population databases (gnomAD no frequency). This variant has not been reported in the literature in individuals affected with PRX-related conditions. Algorithms developed to predict the effect of missense changes on protein structure and function are either unavailable or do not agree on the potential impact of this missense change (SIFT: "Tolerated"; PolyPhen-2: "Possibly Damaging"; Align-GVGD: "Class C0"). In summary, the available evidence is currently insufficient to determine the role of this variant in disease. Therefore, it has been classified as a Variant of Uncertain Significance.

NM_181882.3(PRX):c.2672T>G (p.Val891Gly)

Gene: PRX (periaxin; minus strand). Cytogenetic location: 19q13.2.
Variant type: single nucleotide variant.
Coding change: c.2672T>G on transcript NM_181882.3 (MANE Select); coding-DNA position 2672, T replaced by G.
Protein change: p.Val891Gly; replaces valine 891 with glycine.
Molecular consequence: missense variant. On other transcripts: 3 prime UTR variant (1).
Genome position (GRCh38, 1-based): chr19:40,395,680, A>C on the plus strand (T>G on the coding strand, the complement: PRX is on the minus strand). VCF-style: chr19-40395680-A-C. GRCh37 (hg19) VCF-style: chr19-40901587-A-C.
Other names: p.Val891Gly; c.2957T>G, p.Val986Gly (NM_001411127.1); c.*2877T>G (NM_020956.2); short protein forms V986G, V891G.
Identifiers: ClinVar variation 1900079 (VCV001900079.6), dbSNP rs2079427031, ClinGen allele CA405895813.